The following is an entry in ClinVar:

ClinVar aggregate classification (germline): Likely benign (0 of 4 stars; one submission).

Conditions:
Hearing impairment. Also called: Impaired Hearing. Identifiers: MedGen C1384666, MONDO:0005365, HP:0000365.

gnomAD v4.1: 3 of 152,208 alleles (0.002%); highest among the groups gnomAD compares: African/African-American, 0.0048%; no homozygotes.

Submission:

Joint Genome Diagnostic Labs from Nijmegen and Maastricht, Radboudumc and MUMC+
Classification: Likely benign for hearing impairment. Review status: no assertion criteria provided. Collection method: clinical testing. Allele origin: germline. Affected: yes.
Comment: Found in cis with pathogenic monoallelic variant

NM_000441.2(SLC26A4):c.1149+339T>G

Gene: SLC26A4 (solute carrier family 26 member 4; plus strand). Cytogenetic location: 7q22.3.
Variant type: single nucleotide variant.
Coding change: c.1149+339T>G on transcript NM_000441.2 (MANE Select); 339 bases into the intron after coding-DNA position 1149, T replaced by G.
Molecular consequence: intron variant.
Genome position (GRCh38, 1-based): chr7:107,689,539, T>G. VCF-style: chr7-107689539-T-G. GRCh37 (hg19) VCF-style: chr7-107329984-T-G.
Identifiers: ClinVar variation 3338144 (VCV003338144.1).